The following is an entry in ClinVar:

ClinVar aggregate classification (germline): Uncertain significance. Review status: criteria provided, multiple submitters, no conflicts (2 of 4 stars). 2 submissions from 2 submitters: Uncertain significance (2). Last evaluated 2021-01-13.

Conditions:
Familial cancer of breast. Also called: Hereditary breast cancer; hereditary breast carcinoma; BREAST CANCER, FAMILIAL. Identifiers: Orphanet 227535, MedGen C0346153, MONDO:0016419, OMIM 114480. Disease mechanism: loss of function.
Fanconi anemia complementation group J. Also called: BRIP1-Related Fanconi Anemia. Identifiers: Orphanet 84, MedGen C1836860, MONDO:0012187, OMIM 609054.
Hereditary cancer-predisposing syndrome. Also called: Hereditary Cancer Syndrome; Neoplastic Syndromes, Hereditary; Hereditary neoplastic syndrome; Tumor predisposition. Identifiers: Orphanet 140162, MedGen C0027672, MeSH D009386, MONDO:0015356.

Submissions (2):

Labcorp Genetics (formerly Invitae), Labcorp
Classification: Uncertain significance for Familial cancer of breast; Fanconi anemia complementation group J. Last evaluated: 2021-01-13. Review status: criteria provided, single submitter. Criteria: Invitae Variant Classification Sherloc (09022015). Collection method: clinical testing. Allele origin: germline.
Comment: This variant has not been reported in the literature in individuals with BRIP1-related conditions. ClinVar contains an entry for this variant (Variation ID: 821097). This variant is not present in population databases (ExAC no frequency). This sequence change replaces aspartic acid with glutamic acid at codon 774 of the BRIP1 protein (p.Asp774Glu). The aspartic acid residue is highly conserved and there is a small physicochemical difference between aspartic acid and glutamic acid. In summary, the available evidence is currently insufficient to determine the role of this variant in disease. Therefore, it has been classified as a Variant of Uncertain Significance. Algorithms developed to predict the effect of missense changes on protein structure and function output the following: SIFT: "Tolerated"; PolyPhen-2: "Benign"; Align-GVGD: "Class C0". The glutamic acid amino acid residue is found in multiple mammalian species, suggesting that this missense change does not adversely affect protein function. These predictions have not been confirmed by published functional studies and their clinical significance is uncertain.

Ambry Genetics
Classification: Uncertain significance for Hereditary cancer-predisposing syndrome. Last evaluated: 2019-03-08. Review status: criteria provided, single submitter. Criteria: Ambry Variant Classification Scheme 2023. Collection method: clinical testing. Allele origin: germline.
Comment: The p.D774E variant (also known as c.2322C>A), located in coding exon 15 of the BRIP1 gene, results from a C to A substitution at nucleotide position 2322. The aspartic acid at codon 774 is replaced by glutamic acid, an amino acid with highly similar properties. This amino acid position is highly conserved in available vertebrate species. In addition, this alteration is predicted to be tolerated by in silico analysis. Since supporting evidence is limited at this time, the clinical significance of this alteration remains unclear.

NM_032043.3(BRIP1):c.2322C>A (p.Asp774Glu)

Gene: BRIP1 (BRCA1 interacting DNA helicase 1; minus strand). Cytogenetic location: 17q23.2.
Variant type: single nucleotide variant.
Coding change: c.2322C>A on transcript NM_032043.3 (MANE Select); coding-DNA position 2322, C replaced by A.
Protein change: p.Asp774Glu; replaces aspartic acid 774 with glutamic acid.
Molecular consequence: missense variant.
Genome position (GRCh38, 1-based): chr17:61,743,070, G>T on the plus strand (C>A on the coding strand, the complement: BRIP1 is on the minus strand). VCF-style: chr17-61743070-G-T. GRCh37 (hg19) VCF-style: chr17-59820431-G-T.
Other names: short protein forms D774E.
Identifiers: ClinVar variation 821097 (VCV000821097.13), dbSNP rs1057520434, ClinGen allele CA400482635.
Genomic context (GRCh38, chr17:61,743,070, plus strand): 5'-TACCTGTAGATCTTTCACATTTGGAAAAGGAATTCCTATTGTTATGACAGCACGGGCATT[G>T]TCATCTGAGAAATCCAGACCCTCACTCACTTTACCACGACAAACTGCTACCAGGAGAGCT-3'
Protein context (NP_114432.2, residues 764-784): KVSEGLDFSD[Asp774Glu]NARAVITIGI